The following is an entry in ClinVar:

NM_001040142.2(SCN2A):c.2860G>A (p.Ala954Thr)

Gene: SCN2A (sodium voltage-gated channel alpha subunit 2; plus strand). Cytogenetic location: 2q24.3.
Variant type: single nucleotide variant.
Coding change: c.2860G>A on transcript NM_001040142.2 (MANE Select); coding-DNA position 2860, G replaced by A.
Protein change: p.Ala954Thr; replaces alanine 954 with threonine.
Molecular consequence: missense variant.
Genome position (GRCh38, 1-based): chr2:165,344,852, G>A. VCF-style: chr2-165344852-G-A. GRCh37 (hg19) VCF-style: chr2-166201362-G-A.
Other names: c.2860G>A (NM_021007.2); c.2860G>A, p.Ala954Thr (NM_001040143.2, NM_001371246.1, NM_001371247.1 and 1 more transcripts); short protein forms A954T.
Identifiers: ClinVar variation 2147205 (VCV002147205.5), dbSNP rs749485469, ClinGen allele CA1940027.
Genomic context (GRCh38, chr2:165,344,852, plus strand): 5'-ATCGTGTTCCGCGTGCTGTGTGGAGAGTGGATAGAGACCATGTGGGACTGTATGGAGGTC[G>A]CTGGCCAAACCATGTGCCTTACTGTCTTCATGATGGTCATGGTGATTGGAAATCTAGTGG-3'
Protein context (NP_001035232.1, residues 944-964): IETMWDCMEV[Ala954Thr]GQTMCLTVFM

ClinVar aggregate classification (germline): Uncertain significance. Review status: criteria provided, multiple submitters, no conflicts (2 of 4 stars). 3 submissions from 3 submitters: Uncertain significance (3). Last evaluated 2023-12-11.

Conditions:
Developmental and epileptic encephalopathy, 11 (DEE11). Also called: Early infantile epileptic encephalopathy 11. Identifiers: Orphanet 1934, MedGen C3150987, MONDO:0013388, OMIM 613721.
Seizures, benign familial infantile, 3 (BFIS3). Also called: CONVULSIONS, BENIGN FAMILIAL INFANTILE, 3; Familial neonatal seizures. Identifiers: Orphanet 140927, Orphanet 306, MedGen C1843140, MONDO:0011904, OMIM 607745.

Allele frequency attached by ClinVar (database versions not stated): gnomAD 0.00001.
gnomAD v4.1: 8 of 1,614,024 alleles (0.0005%); highest among the groups gnomAD compares: South Asian, 0.0011%; no homozygotes.

Submissions (3):

Labcorp Genetics (formerly Invitae), Labcorp
Classification: Uncertain significance for Seizures, benign familial infantile, 3; Developmental and epileptic encephalopathy, 11. Last evaluated: 2023-12-11. Review status: criteria provided, single submitter. Criteria: Invitae Variant Classification Sherloc (09022015). Collection method: clinical testing. Allele origin: germline.
Comment: This sequence change replaces alanine, which is neutral and non-polar, with threonine, which is neutral and polar, at codon 954 of the SCN2A protein (p.Ala954Thr). This variant is present in population databases (rs749485469, gnomAD 0.002%). This missense change has been observed in individual(s) with clinical features of SCN2A-related conditions (PMID: 33004838). ClinVar contains an entry for this variant (Variation ID: 2147205). Advanced modeling of protein sequence and biophysical properties (such as structural, functional, and spatial information, amino acid conservation, physicochemical variation, residue mobility, and thermodynamic stability) performed at Invitae indicates that this missense variant is expected to disrupt SCN2A protein function with a positive predictive value of 95%. In summary, the available evidence is currently insufficient to determine the role of this variant in disease. Therefore, it has been classified as a Variant of Uncertain Significance.

GeneDx
Classification: Uncertain significance. Last evaluated: 2023-10-09. Review status: criteria provided, single submitter. Criteria: GeneDx Variant Classification Process June 2021. Collection method: clinical testing. Allele origin: germline. Affected: yes.
Comment: Identified in an individual with a neurodevelopmental disorder, but segregation and detailed clinical information was not provided (Wang et al., 2020); In silico analysis supports that this missense variant has a deleterious effect on protein structure/function; Missense variants in this gene are a common cause of disease and they are underrepresented in the general population; This substitution is predicted to be within the extracellular loop between the S5 and S6 transmembrane segments of the second homologous domain; This variant is associated with the following publications: (PMID: 33004838)

Neuberg Centre For Genomic Medicine, NCGM
Classification: Uncertain significance for Developmental and epileptic encephalopathy, 11. Review status: criteria provided, single submitter. Criteria: ACMG Guidelines, 2015. Collection method: clinical testing. Allele origin: germline. Inheritance: Autosomal dominant inheritance. Affected: yes.
Comment: The missense variant in c.2860G>A in SCN2A gene has not been reported previously as a pathogenic variant nor as a benign variant, to our knowledge. The p.Ala954Thr variant is novel (not in any individuals) in 1000 Genomes and has allele frequency of 0.001061% in gnomAD database. This variant has not been reported to the ClinVar database. The amino acid change p.Ala954Thr in SCN2A is predicted as conserved by GERP++ and PhyloP across 100 vertebrates. The amino acid Ala at position 954 is changed to a Thr changing protein sequence and it might alter its composition and physico-chemical properties. For these reasons, this variant has been classified as Uncertain Significance (VUS).

Literature cited by the submitters: PubMed 33004838 (cited by Labcorp Genetics (formerly Invitae), Labcorp).